The following is an entry in ClinVar:

NM_005993.5(TBCD):c.475G>A (p.Val159Met)

Gene: TBCD (tubulin folding cofactor D). Cytogenetic location: 17q25.3.
Variant type: single nucleotide variant.
Coding change: c.475G>A on transcript NM_005993.5 (MANE Select); coding-DNA position 475, G replaced by A.
Protein change: p.Val159Met; replaces valine 159 with methionine.
Molecular consequence: missense variant.
Genome position (GRCh38, 1-based): chr17:82,768,459, G>A. VCF-style: chr17-82768459-G-A. GRCh37 (hg19) VCF-style: chr17-80726335-G-A.
Other names: c.424G>A, p.Val142Met (NM_001411101.1); c.475G>A, p.Val159Met (NM_001411102.1); short protein forms V142M, V159M.
Identifiers: ClinVar variation 2035025 (VCV002035025.3), dbSNP rs1020017368, ClinGen allele CA295264400.

ClinVar aggregate classification (germline): Uncertain significance (1 of 4 stars; one submission).

Allele frequency attached by ClinVar (database versions not stated): TOPMed below 0.00001; gnomAD 0.00001.
gnomAD v4.1: 7 of 1,613,876 alleles (0.00043%); highest among the groups gnomAD compares: Admixed American, 0.0017%; no homozygotes.

Submission:

Labcorp Genetics (formerly Invitae), Labcorp
Classification: Uncertain significance. Last evaluated: 2024-10-17. Review status: criteria provided, single submitter. Criteria: Invitae Variant Classification Sherloc (09022015). Collection method: clinical testing. Allele origin: germline.
Comment: This sequence change replaces valine, which is neutral and non-polar, with methionine, which is neutral and non-polar, at codon 159 of the TBCD protein (p.Val159Met). This variant is present in population databases (no rsID available, gnomAD 0.003%). This variant has not been reported in the literature in individuals affected with TBCD-related conditions. ClinVar contains an entry for this variant (Variation ID: 2035025). Invitae Evidence Modeling of protein sequence and biophysical properties (such as structural, functional, and spatial information, amino acid conservation, physicochemical variation, residue mobility, and thermodynamic stability) indicates that this missense variant is not expected to disrupt TBCD protein function with a negative predictive value of 95%. In summary, the available evidence is currently insufficient to determine the role of this variant in disease. Therefore, it has been classified as a Variant of Uncertain Significance.